The following is an entry in ClinVar:

NM_000781.3(CYP11A1):c.744C>G (p.Leu248=)

Gene: CYP11A1 (cytochrome P450 family 11 subfamily A member 1; minus strand). Cytogenetic location: 15q24.1.
Variant type: single nucleotide variant.
Coding change: c.744C>G on transcript NM_000781.3 (MANE Select); coding-DNA position 744, C replaced by G.
Protein change: p.Leu248=; no amino-acid change (leucine 248 retained).
Molecular consequence: synonymous variant.
Genome position (GRCh38, 1-based): chr15:74,343,874, G>C on the plus strand (C>G on the coding strand, the complement: CYP11A1 is on the minus strand). VCF-style: chr15-74343874-G-C. GRCh37 (hg19) VCF-style: chr15-74636215-G-C.
Other names: c.270C>G, p.Leu90= (NM_001099773.2).
Identifiers: ClinVar variation 2645538 (VCV002645538.27), dbSNP rs1201160390, ClinGen allele CA491194687.

ClinVar aggregate classification (germline): Likely benign. Review status: criteria provided, multiple submitters, no conflicts (2 of 4 stars). 2 submissions from 2 submitters: Likely benign (2). Last evaluated 2023-07-03.

gnomAD v4.1: 1 of 1,613,994 alleles (0.000062%); highest among the groups gnomAD compares: Non-Finnish European, 0.000085%; no homozygotes.

Submissions (2):

Labcorp Genetics (formerly Invitae), Labcorp
Classification: Likely benign. Last evaluated: 2023-07-03. Review status: criteria provided, single submitter. Criteria: Invitae Variant Classification Sherloc (09022015). Collection method: clinical testing. Allele origin: germline.

CeGaT Center for Human Genetics Tuebingen
Classification: Likely benign. Last evaluated: 2022-10-01. Review status: criteria provided, single submitter. Criteria: CeGaT Center For Human Genetics Tuebingen Variant Classification Criteria Version 2. Collection method: clinical testing. Allele origin: germline. Affected: yes. Observed: 1 variant allele.
Comment: CYP11A1: PM2:Supporting, BP4, BP7